The following is an entry in ClinVar:

ClinVar aggregate classification (germline): Uncertain significance. Review status: criteria provided, multiple submitters, no conflicts (2 of 4 stars). 2 submissions from 2 submitters: Uncertain significance (2). Last evaluated 2026-02-17.

Submissions (2):

GeneDx
Classification: Uncertain significance. Last evaluated: 2026-02-17. Review status: criteria provided, single submitter. Criteria: GeneDx Variant Classification Process June 2021. Collection method: clinical testing. Allele origin: germline.
Comment: Not observed at significant frequency in large population cohorts (gnomAD); In silico analysis supports that this missense variant has a deleterious effect on protein structure/function; Has not been previously published as pathogenic or benign to our knowledge; Occurs in the triple helical domain at the Y position in the canonical Gly-X-Y repeat; although this variant may have an effect on normal protein folding and function, missense substitution at the Y position is not a common mechanism of disease (HGMD)

CeGaT Center for Human Genetics Tuebingen
Classification: Uncertain significance. Last evaluated: 2024-04-01. Review status: criteria provided, single submitter. Criteria: CeGaT Center For Human Genetics Tuebingen Variant Classification Criteria Version 2. Collection method: clinical testing. Allele origin: germline. Affected: yes. Observed: 1 variant allele.
Comment: COL1A2: PM2

NM_000089.4(COL1A2):c.1294C>G (p.Arg432Gly)

Gene: COL1A2 (collagen type I alpha 2 chain; plus strand). Cytogenetic location: 7q21.3.
Variant type: single nucleotide variant.
Coding change: c.1294C>G on transcript NM_000089.4 (MANE Select); coding-DNA position 1294, C replaced by G.
Protein change: p.Arg432Gly; replaces arginine 432 with glycine.
Molecular consequence: missense variant.
Genome position (GRCh38, 1-based): chr7:94,411,098, C>G. VCF-style: chr7-94411098-C-G. GRCh37 (hg19) VCF-style: chr7-94040410-C-G.
Other names: short protein forms R432G.
Identifiers: ClinVar variation 3234650 (VCV003234650.21), dbSNP rs2484711169, ClinGen allele CA368221554.